The following is an entry in ClinVar:

ClinVar aggregate classification (germline): Uncertain significance. Review status: criteria provided, multiple submitters, no conflicts (2 of 4 stars). 2 submissions from 2 submitters: Uncertain significance (2). Last evaluated 2021-08-26.

Allele frequency attached by ClinVar (database versions not stated): ESP Exome Variant Server 0.00008.
gnomAD v4.1: 34 of 1,612,440 alleles (0.0021%); highest among the groups gnomAD compares: Non-Finnish European, 0.0029%; no homozygotes.

Submissions (2):

Revvity Omics, Revvity
Classification: Uncertain significance. Last evaluated: 2021-08-26. Review status: criteria provided, single submitter. Criteria: ACMG Guidelines, 2015. Collection method: clinical testing. Allele origin: germline.

GeneDx
Classification: Uncertain significance. Last evaluated: 2020-01-31. Review status: criteria provided, single submitter. Criteria: GeneDx Variant Classification Process June 2021. Collection method: clinical testing. Allele origin: germline. Affected: yes.
Comment: Not observed at a significant frequency in large population cohorts (Lek et al., 2016); Missense variant in a gene in which most reported pathogenic variants are truncating/loss-of-function; Has not been previously published as pathogenic or benign to our knowledge; This variant is associated with the following publications: (PMID: 32039858)

NM_001267550.2(TTN):c.48509A>C (p.Asn16170Thr)

Genes: TTN-AS1 (TTN antisense RNA 1; plus strand), TTN (titin; minus strand). Cytogenetic location: 2q31.2.
Variant type: single nucleotide variant.
Coding change: c.48509A>C on transcript NM_001267550.2 (MANE Select); coding-DNA position 48509, A replaced by C.
Protein change: p.Asn16170Thr; replaces asparagine 16170 with threonine.
Molecular consequence: missense variant.
Genome position (GRCh38, 1-based): chr2:178,615,436, T>G on the plus strand (A>C on the coding strand, the complement: TTN is on the minus strand). VCF-style: chr2-178615436-T-G. GRCh37 (hg19) VCF-style: chr2-179480163-T-G.
Other names: c.43586A>C, p.Asn14529Thr (NM_001256850.1); c.21314A>C, p.Asn7105Thr (NM_003319.4); c.40805A>C, p.Asn13602Thr (NM_133378.4); c.21689A>C, p.Asn7230Thr (NM_133432.3); c.21890A>C, p.Asn7297Thr (NM_133437.4); short protein forms N13602T, N14529T, N16170T, N7105T, N7230T, N7297T.
Identifiers: ClinVar variation 1194521 (VCV001194521.5), dbSNP rs370809363, ClinGen allele CA1994799.
Genomic context (GRCh38, chr2:178,615,436, plus strand): 5'-TATCCTTTGATGCGTGAACCACCATCATTTTTAGGTGGATCCCATGTTAAGAAGATGCTA[T>G]TGGCTGTTCGATCTCTCCATTTAACATTCTCTGGTGGGTCAGGTACCGCTACAACATTTG-3'
Protein context (NP_001254479.2, residues 16160-16180): ENVKWRDRTA[Asn16170Thr]SIFLTWDPPK